The following is an entry in ClinVar:

ClinVar aggregate classification (germline): Uncertain significance. Review status: criteria provided, multiple submitters, no conflicts (2 of 4 stars). 2 submissions from 2 submitters: Uncertain significance (2). Last evaluated 2025-07-12.

Conditions:
Gorlin syndrome. Also called: Basal cell nevus syndrome; Nevoid Basal Cell Carcinoma Syndrome. Identifiers: Orphanet 377, MedGen C0004779, MONDO:0007187.

Allele frequency attached by ClinVar (database versions not stated): gnomAD exomes below 0.00001; gnomAD 0.00001; TOPMed 0.00001.

Submissions (2):

Ambry Genetics
Classification: Uncertain significance. Last evaluated: 2025-07-12. Review status: criteria provided, single submitter. Criteria: Ambry Variant Classification Scheme 2023. Collection method: clinical testing. Allele origin: germline.

Labcorp Genetics (formerly Invitae), Labcorp
Classification: Uncertain significance for Gorlin syndrome. Last evaluated: 2022-12-03. Review status: criteria provided, single submitter. Criteria: Invitae Variant Classification Sherloc (09022015). Collection method: clinical testing. Allele origin: germline.
Comment: Advanced modeling of protein sequence and biophysical properties (such as structural, functional, and spatial information, amino acid conservation, physicochemical variation, residue mobility, and thermodynamic stability) performed at Invitae indicates that this missense variant is not expected to disrupt PTCH2 protein function. In summary, the available evidence is currently insufficient to determine the role of this variant in disease. Therefore, it has been classified as a Variant of Uncertain Significance. ClinVar contains an entry for this variant (Variation ID: 1522700). This variant has not been reported in the literature in individuals affected with PTCH2-related conditions. This variant is not present in population databases (gnomAD no frequency). This sequence change replaces isoleucine, which is neutral and non-polar, with threonine, which is neutral and polar, at codon 177 of the PTCH2 protein (p.Ile177Thr).

NM_003738.5(PTCH2):c.530T>C (p.Ile177Thr)

Gene: PTCH2 (patched 2; minus strand). Cytogenetic location: 1p34.1.
Variant type: single nucleotide variant.
Coding change: c.530T>C on transcript NM_003738.5 (MANE Select); coding-DNA position 530, T replaced by C.
Protein change: p.Ile177Thr; replaces isoleucine 177 with threonine.
Molecular consequence: missense variant.
Genome position (GRCh38, 1-based): chr1:44,831,793, A>G on the plus strand (T>C on the coding strand, the complement: PTCH2 is on the minus strand). VCF-style: chr1-44831793-A-G. GRCh37 (hg19) VCF-style: chr1-45297465-A-G.
Other names: c.530T>C (NM_003738.4); c.530T>C, p.Ile177Thr (NM_001166292.2); short protein forms I177T.
Identifiers: ClinVar variation 1522700 (VCV001522700.9), dbSNP rs1383422802, ClinGen allele CA340107925.